The following is an entry in ClinVar:

ClinVar aggregate classification (germline): Uncertain significance. Review status: criteria provided, multiple submitters, no conflicts (2 of 4 stars). 2 submissions from 2 submitters: Uncertain significance (2). Last evaluated 2025-04-18.

Conditions:
Hereditary cancer-predisposing syndrome. Also called: Hereditary neoplastic syndrome; Tumor predisposition; Neoplastic Syndromes, Hereditary; Hereditary Cancer Syndrome. Identifiers: Orphanet 140162, MedGen C0027672, MeSH D009386, MONDO:0015356.
Bloom syndrome (BLM). Also called: Bloom-Torre-Machacek syndrome. Identifiers: Orphanet 125, MedGen C0005859, MONDO:0008876, OMIM 210900.

gnomAD v4.1: 2 of 1,614,052 alleles (0.00012%); highest among the groups gnomAD compares: Non-Finnish European, 0.00017%; no homozygotes.

Submissions (2):

Ambry Genetics
Classification: Uncertain significance for Hereditary cancer-predisposing syndrome. Last evaluated: 2025-04-18. Review status: criteria provided, single submitter. Criteria: Ambry Variant Classification Scheme 2023. Collection method: clinical testing. Allele origin: germline.
Comment: The p.I406T variant (also known as c.1217T>C), located in coding exon 5 of the BLM gene, results from a T to C substitution at nucleotide position 1217. The isoleucine at codon 406 is replaced by threonine, an amino acid with similar properties. This amino acid position is conserved. In addition, this alteration is predicted to be tolerated by in silico analysis. Since supporting evidence is limited at this time, the clinical significance of this alteration remains unclear.

Labcorp Genetics (formerly Invitae), Labcorp
Classification: Uncertain significance for Bloom syndrome. Last evaluated: 2023-08-16. Review status: criteria provided, single submitter. Criteria: Invitae Variant Classification Sherloc (09022015). Collection method: clinical testing. Allele origin: germline.
Comment: This sequence change replaces isoleucine, which is neutral and non-polar, with threonine, which is neutral and polar, at codon 406 of the BLM protein (p.Ile406Thr). This variant is not present in population databases (gnomAD no frequency). This variant has not been reported in the literature in individuals affected with BLM-related conditions. ClinVar contains an entry for this variant (Variation ID: 1505574). Advanced modeling of protein sequence and biophysical properties (such as structural, functional, and spatial information, amino acid conservation, physicochemical variation, residue mobility, and thermodynamic stability) performed at Invitae indicates that this missense variant is not expected to disrupt BLM protein function. In summary, the available evidence is currently insufficient to determine the role of this variant in disease. Therefore, it has been classified as a Variant of Uncertain Significance.

NM_000057.4(BLM):c.1217T>C (p.Ile406Thr)

Gene: BLM (BLM RecQ like helicase; plus strand). Cytogenetic location: 15q26.1.
Variant type: single nucleotide variant.
Coding change: c.1217T>C on transcript NM_000057.4 (MANE Select); coding-DNA position 1217, T replaced by C.
Protein change: p.Ile406Thr; replaces isoleucine 406 with threonine.
Molecular consequence: missense variant.
Genome position (GRCh38, 1-based): chr15:90,760,276, T>C. VCF-style: chr15-90760276-T-C. GRCh37 (hg19) VCF-style: chr15-91303506-T-C.
Other names: c.1217T>C, p.Ile406Thr (NM_001287246.2, NM_001287247.2); c.92T>C, p.Ile31Thr (NM_001287248.2); c.1217T>C (NM_000057.2); short protein forms I31T, I406T.
Identifiers: ClinVar variation 1505574 (VCV001505574.10), dbSNP rs2151157512, ClinGen allele CA393842570.